The following is an entry in ClinVar:

NM_031935.3(HMCN1):c.2441G>C (p.Cys814Ser)

Gene: HMCN1 (hemicentin 1; plus strand). Cytogenetic location: 1q31.1.
Variant type: single nucleotide variant.
Coding change: c.2441G>C on transcript NM_031935.3 (MANE Select); coding-DNA position 2441, G replaced by C.
Protein change: p.Cys814Ser; replaces cysteine 814 with serine.
Molecular consequence: missense variant.
Genome position (GRCh38, 1-based): chr1:185,977,856, G>C. VCF-style: chr1-185977856-G-C. GRCh37 (hg19) VCF-style: chr1-185946988-G-C.
Other names: short protein forms C814S.
Identifiers: ClinVar variation 2174143 (VCV002174143.4), dbSNP rs150080274, ClinGen allele CA1291402.

ClinVar aggregate classification (germline): Uncertain significance (1 of 4 stars; one submission).

Allele frequency attached by ClinVar (database versions not stated): ESP Exome Variant Server 0.00008.
gnomAD v4.1: 41 of 1,612,978 alleles (0.0025%); highest among the groups gnomAD compares: Non-Finnish European, 0.0035%; no homozygotes.

Submission:

Labcorp Genetics (formerly Invitae), Labcorp
Classification: Uncertain significance. Last evaluated: 2022-08-22. Review status: criteria provided, single submitter. Criteria: Invitae Variant Classification Sherloc (09022015). Collection method: clinical testing. Allele origin: germline.
Comment: This sequence change replaces cysteine, which is neutral and slightly polar, with serine, which is neutral and polar, at codon 814 of the HMCN1 protein (p.Cys814Ser). This variant is present in population databases (rs150080274, gnomAD 0.005%). This variant has not been reported in the literature in individuals affected with HMCN1-related conditions. Algorithms developed to predict the effect of missense changes on protein structure and function are either unavailable or do not agree on the potential impact of this missense change (SIFT: "Deleterious"; PolyPhen-2: "Probably Damaging"; Align-GVGD: "Class C0"). In summary, the available evidence is currently insufficient to determine the role of this variant in disease. Therefore, it has been classified as a Variant of Uncertain Significance.